The following is an entry in ClinVar:

NM_005994.4(TBX2):c.2033G>C (p.Ser678Thr)

Gene: TBX2 (T-box transcription factor 2; plus strand). Cytogenetic location: 17q23.2.
Variant type: single nucleotide variant.
Coding change: c.2033G>C on transcript NM_005994.4 (MANE Select); coding-DNA position 2033, G replaced by C.
Protein change: p.Ser678Thr; replaces serine 678 with threonine.
Molecular consequence: missense variant.
Genome position (GRCh38, 1-based): chr17:61,408,400, G>C. VCF-style: chr17-61408400-G-C. GRCh37 (hg19) VCF-style: chr17-59485761-G-C.
Other names: short protein forms S678T.
Identifiers: ClinVar variation 4689387 (VCV004689387.1).

ClinVar aggregate classification (germline): Uncertain significance (1 of 4 stars; one submission).

gnomAD v4.1: 3 of 1,553,654 alleles (0.00019%); highest among the groups gnomAD compares: African/African-American, 0.0027%; no homozygotes.

Submission:

Women's Health and Genetics/Laboratory Corporation of America, LabCorp
Classification: Uncertain significance. Last evaluated: 2026-01-14. Review status: criteria provided, single submitter. Criteria: LabCorp Variant Classification Summary - May 2015. Collection method: clinical testing. Allele origin: germline.
Comment: Variant summary: TBX2 c.2033G>C (p.Ser678Thr) results in a conservative amino acid change in the encoded protein sequence. Algorithms developed to predict the effect of missense changes on protein structure and function all suggest that this variant is likely to be tolerated. The frequency data for this variant in gnomAD is considered unreliable, as metrics indicate poor data quality at this position. To our knowledge, no occurrence of c.2033G>C in individuals affected with TBX2-related conditions and no experimental evidence demonstrating its impact on protein function have been reported. No submitters have cited clinical-significance assessments for this variant to ClinVar. Based on the evidence outlined above, the variant was classified as uncertain significance.